The following is an entry in ClinVar:

ClinVar aggregate classification (germline): Benign/Likely benign. Review status: criteria provided, multiple submitters, no conflicts (2 of 4 stars). 3 submissions from 3 submitters: Benign (1); Likely benign (2). Last evaluated 2025-07-28.

Conditions:
Emery-Dreifuss muscular dystrophy 5, autosomal dominant (EDMD5). Also called: EMERY-DREIFUSS MUSCULAR DYSTROPHY 5. Identifiers: Orphanet 261, MedGen C2751805, MONDO:0013072, OMIM 612999.

Allele frequency attached by ClinVar (database versions not stated): gnomAD exomes 0.00006 and 0.00015; gnomAD 0.00007 and 0.00008; TOPMed 0.00010; ExAC 0.00015; ESP Exome Variant Server 0.00017.
gnomAD v4.1: 97 of 1,606,772 alleles (0.006%); highest among the groups gnomAD compares: Middle Eastern, 0.017%; no homozygotes.

Submissions (3):

Labcorp Genetics (formerly Invitae), Labcorp
Classification: Likely benign for Emery-Dreifuss muscular dystrophy 5, autosomal dominant. Last evaluated: 2025-07-28. Review status: criteria provided, single submitter. Criteria: Invitae Variant Classification Sherloc (09022015). Collection method: clinical testing. Allele origin: germline.

Illumina Laboratory Services, Illumina
Classification: Benign for Emery-Dreifuss muscular dystrophy 5, autosomal dominant. Last evaluated: 2017-04-27. Review status: criteria provided, single submitter. Criteria: ICSL Variant Classification Criteria 13 December 2019. Collection method: clinical testing. Allele origin: germline.
Comment: This variant was observed as part of a predisposition screen in an ostensibly healthy population. A literature search was performed for the gene, cDNA change, and amino acid change (where applicable). Publications were found based on this search. The evidence from the literature, in combination with allele frequency data from public databases where available, was sufficient to rule this variant out of causing disease. Therefore, this variant is classified as benign.

Breakthrough Genomics
Classification: Likely benign. Review status: criteria provided, single submitter. Criteria: ACMG Guidelines, 2015. Collection method: not provided. Allele origin: germline. Inheritance: Autosomal dominant inheritance. Affected: yes.

Literature cited by the submitters: PubMed 25179549 (cited by Illumina Laboratory Services, Illumina).

NM_182914.3(SYNE2):c.2903G>A (p.Arg968His)

Gene: SYNE2 (spectrin repeat containing nuclear envelope protein 2; plus strand). Cytogenetic location: 14q23.2.
Variant type: single nucleotide variant.
Coding change: c.2903G>A on transcript NM_182914.3 (MANE Select); coding-DNA position 2903, G replaced by A.
Protein change: p.Arg968His; replaces arginine 968 with histidine.
Molecular consequence: missense variant.
Genome position (GRCh38, 1-based): chr14:63,995,165, G>A. VCF-style: chr14-63995165-G-A. GRCh37 (hg19) VCF-style: chr14-64461883-G-A.
Other names: c.2903G>A, p.Arg968His (NM_015180.6); short protein forms R968H.
Identifiers: ClinVar variation 575109 (VCV000575109.16), dbSNP rs200356303, ClinGen allele CA7219820.